The following is an entry in ClinVar:

ClinVar aggregate classification (germline): Uncertain significance (1 of 4 stars; one submission).

gnomAD v4.1: 55 of 1,614,070 alleles (0.0034%); highest among the groups gnomAD compares: Non-Finnish European, 0.0041%; no homozygotes.

Submission:

Labcorp Genetics (formerly Invitae), Labcorp
Classification: Uncertain significance. Last evaluated: 2024-03-10. Review status: criteria provided, single submitter. Criteria: Invitae Variant Classification Sherloc (09022015). Collection method: clinical testing. Allele origin: germline.
Comment: This sequence change replaces methionine, which is neutral and non-polar, with threonine, which is neutral and polar, at codon 4242 of the DNAH9 protein (p.Met4242Thr). This variant is present in population databases (rs764768295, gnomAD 0.005%). This variant has not been reported in the literature in individuals affected with DNAH9-related conditions. Advanced modeling of protein sequence and biophysical properties (such as structural, functional, and spatial information, amino acid conservation, physicochemical variation, residue mobility, and thermodynamic stability) performed at Invitae indicates that this missense variant is not expected to disrupt DNAH9 protein function with a negative predictive value of 80%. In summary, the available evidence is currently insufficient to determine the role of this variant in disease. Therefore, it has been classified as a Variant of Uncertain Significance.

NM_001372.4(DNAH9):c.12725T>C (p.Met4242Thr)

Gene: DNAH9 (dynein axonemal heavy chain 9; plus strand). Cytogenetic location: 17p12.
Variant type: single nucleotide variant.
Coding change: c.12725T>C on transcript NM_001372.4 (MANE Select); coding-DNA position 12725, T replaced by C.
Protein change: p.Met4242Thr; replaces methionine 4242 with threonine.
Molecular consequence: missense variant.
Genome position (GRCh38, 1-based): chr17:11,942,367, T>C. VCF-style: chr17-11942367-T-C. GRCh37 (hg19) VCF-style: chr17-11845684-T-C.
Other names: c.1661T>C, p.Met554Thr (NM_004662.2); short protein forms M4242T, M554T.
Identifiers: ClinVar variation 3609602 (VCV003609602.1).
Genomic context (GRCh38, chr17:11,942,367, plus strand): 5'-AGGCACTTCTGGAAGAAATATTGGAGCGGGTGACAGACGAGTTTAACATCCCAGAACTGA[T>C]GGCCAAAGTGGAGGAGCGCACCCCTTACATTGTAGTTGCCTTCCAGGAGTGTGGCCGGAT-3'
Protein context (NP_001363.2, residues 4232-4252): VTDEFNIPEL[Met4242Thr]AKVEERTPYI